The following is an entry in ClinVar:

NM_001048174.2(MUTYH):c.1329del (p.Gly444fs)

Gene: MUTYH (mutY DNA glycosylase; minus strand). Cytogenetic location: 1p34.1.
Variant type: Deletion.
Coding change: c.1329del on transcript NM_001048174.2 (MANE Select); coding-DNA position 1329, one base deleted (A; older notation c.1329delA).
Protein change: p.Gly444fs; shifts the reading frame from glycine 444.
Molecular consequence: frameshift variant. On other transcripts: non-coding transcript variant (7).
Genome position (GRCh38, 1-based): chr1:45,331,245, T deleted on the plus strand (A on the coding strand, the reverse complement: MUTYH is on the minus strand). VCF-style (leftmost placement, unchanged base first): chr1-45331244-CT-C. GRCh37 (hg19) VCF-style: chr1-45796916-CT-C.
Other names: c.1329del, p.Gly444fs (NM_001048171.2, NM_001048173.2, NM_001293195.2 and 6 more transcripts); c.1332del, p.Gly445fs (NM_001048172.2, NM_001407071.1, NM_001407078.1 and 1 more transcripts); c.1413del, p.Gly472fs (NM_001128425.2); c.1374del, p.Gly459fs (NM_001293190.2); c.1362del, p.Gly455fs (NM_001293191.2, NM_001407069.1, NM_001407077.1); c.1053del, p.Gly352fs (NM_001293192.2, NM_001293196.2, NM_001407091.1); c.984del, p.Gly329fs (NM_001350650.2, NM_001350651.2, NM_001407082.1); c.1245del, p.Gly416fs (NM_001407075.1); and 5 more; short protein forms G416fs, G430fs, G459fs, G469fs, G329fs, G444fs, G455fs, G352fs.
Identifiers: ClinVar variation 2587447 (VCV002587447.2), dbSNP rs2523911797, ClinGen allele CA2582341916.

ClinVar aggregate classification (germline): Pathogenic (1 of 4 stars; one submission).

Conditions:
Hereditary cancer-predisposing syndrome. Also called: Tumor predisposition; Hereditary Cancer Syndrome; Hereditary neoplastic syndrome; Neoplastic Syndromes, Hereditary. Identifiers: Orphanet 140162, MedGen C0027672, MeSH D009386, MONDO:0015356.

Submission:

Ambry Genetics
Classification: Pathogenic for Hereditary cancer-predisposing syndrome. Last evaluated: 2023-07-10. Review status: criteria provided, single submitter. Criteria: Ambry Variant Classification Scheme 2023. Collection method: clinical testing. Allele origin: germline.
Comment: The c.1413delA pathogenic mutation, located in coding exon 14 of the MUTYH gene, results from a deletion of one nucleotide at nucleotide position 1413, causing a translational frameshift with a predicted alternate stop codon (p.G472Vfs*5). This variant is considered to be rare based on population cohorts in the Genome Aggregation Database (gnomAD). This alteration is expected to result in loss of function by premature protein truncation or nonsense-mediated mRNA decay. As such, this alteration is interpreted as a disease-causing mutation.